The following is an entry in ClinVar:

NM_020549.5(CHAT):c.1721C>T (p.Thr574Ile)

Gene: CHAT (choline O-acetyltransferase; plus strand). Cytogenetic location: 10q11.23.
Variant type: single nucleotide variant.
Coding change: c.1721C>T on transcript NM_020549.5 (MANE Select); coding-DNA position 1721, C replaced by T.
Protein change: p.Thr574Ile; replaces threonine 574 with isoleucine.
Molecular consequence: missense variant.
Genome position (GRCh38, 1-based): chr10:49,655,181, C>T. VCF-style: chr10-49655181-C-T. GRCh37 (hg19) VCF-style: chr10-50863227-C-T.
Other names: c.1367C>T, p.Thr456Ile (NM_001142929.2, NM_001142934.2, NM_020984.4 and 2 more transcripts); c.1475C>T, p.Thr492Ile (NM_001142933.2); short protein forms T492I, T574I, T456I.
Identifiers: ClinVar variation 958996 (VCV000958996.9), dbSNP rs1839995781, ClinGen allele CA376747746.

ClinVar aggregate classification (germline): Likely pathogenic (1 of 4 stars; one submission).

Conditions:
Familial infantile myasthenia (CMS6). Also called: MYASTHENIC SYNDROME, CONGENITAL, 6, PRESYNAPTIC; MYASTHENIC SYNDROME, PRESYNAPTIC, CONGENITAL, ASSOCIATED WITH EPISODIC APNEA; Congenital myasthenic syndrome type 6. Identifiers: Orphanet 590, MedGen C0393929, MONDO:0009689, OMIM 254210.

Allele frequency attached by ClinVar (database versions not stated): gnomAD exomes 0.00001.
gnomAD v4.1: 14 of 1,614,090 alleles (0.00087%); highest among the groups gnomAD compares: Non-Finnish European, 0.0012%; no homozygotes.

Submission:

Labcorp Genetics (formerly Invitae), Labcorp
Classification: Likely pathogenic for Familial infantile myasthenia. Last evaluated: 2023-03-10. Review status: criteria provided, single submitter. Criteria: Invitae Variant Classification Sherloc (09022015). Collection method: clinical testing. Allele origin: germline.
Comment: This sequence change replaces threonine, which is neutral and polar, with isoleucine, which is neutral and non-polar, at codon 574 of the CHAT protein (p.Thr574Ile). This variant is not present in population databases (gnomAD no frequency). This missense change has been observed in individual(s) with clinical features of congenital myasthenic syndrome (CMS) (Invitae). In at least one individual the data is consistent with being in trans (on the opposite chromosome) from a pathogenic variant. ClinVar contains an entry for this variant (Variation ID: 958996). Advanced modeling of protein sequence and biophysical properties (such as structural, functional, and spatial information, amino acid conservation, physicochemical variation, residue mobility, and thermodynamic stability) performed at Invitae indicates that this missense variant is expected to disrupt CHAT protein function. In summary, the currently available evidence indicates that the variant is pathogenic, but additional data are needed to prove that conclusively. Therefore, this variant has been classified as Likely Pathogenic.